The following is an entry in ClinVar:

NM_000179.3(MSH6):c.3472_3479del (p.Cys1158fs)

Gene: MSH6 (mutS homolog 6; plus strand). Cytogenetic location: 2p16.3.
Variant type: Deletion.
Coding change: c.3472_3479del on transcript NM_000179.3 (MANE Select); coding-DNA positions 3472 to 3479, 8 bases deleted (TGTTACGT; older notation c.3472_3479delTGTTACGT).
Protein change: p.Cys1158fs; shifts the reading frame from cysteine 1158.
Molecular consequence: frameshift variant. On other transcripts: non-coding transcript variant (4).
Genome position (GRCh38, 1-based): chr2:47,804,943-47,804,950, TGTTACGT deleted; deleting any 8 consecutive bases within chr2:47,804,941-47,804,950 gives the same sequence; the c. name uses the placement nearest the transcript's 3' end. VCF-style (leftmost placement, unchanged base first): chr2-47804940-GGTTGTTAC-G. GRCh37 (hg19) VCF-style: chr2-48032079-GGTTGTTAC-G.
Other names: c.3082_3089del, p.Cys1028fs (NM_001281492.2); c.2566_2573del, p.Cys856fs (NM_001281493.2, NM_001281494.2, NM_001406811.1 and 6 more transcripts); c.3568_3575del, p.Cys1190fs (NM_001406795.1, NM_001406802.1); c.3472_3479del, p.Cys1158fs (NM_001406796.1, NM_001406800.1, NM_001406808.1 and 1 more transcripts); c.3175_3182del, p.Cys1059fs (NM_001406797.1, NM_001406801.1, NM_001406805.1 and 10 more transcripts); c.3298_3305del, p.Cys1100fs (NM_001406798.1); c.2947_2954del, p.Cys983fs (NM_001406799.1, NM_001406806.1, NM_001406807.1); c.2608_2615del, p.Cys870fs (NM_001406803.1); and 7 more; short protein forms C107fs, C1100fs, C856fs, C1102fs, C473fs, C636fs, C85fs, C1028fs.
Identifiers: ClinVar variation 2567471 (VCV002567471.2), dbSNP rs2530800342, ClinGen allele CA2580611377.
Genomic context (GRCh38, chr2:47,804,940, plus strand): 5'-ATAAAAGACCTTTTCCTCCCTCATTCACAGGCTGGCTTATTAGCTGTAATGGCCCAGATG[GGTTGTTAC>G]GTCCCTGCTGAAGTGTGCAGGCTCACACCAATTGATAGAGTGTTTACTAGACTTGGTGCC-3'

ClinVar aggregate classification (germline): Pathogenic (1 of 4 stars; one submission).

Conditions:
Hereditary cancer-predisposing syndrome. Also called: Hereditary neoplastic syndrome; Hereditary Cancer Syndrome; Neoplastic Syndromes, Hereditary; Tumor predisposition. Identifiers: Orphanet 140162, MedGen C0027672, MeSH D009386, MONDO:0015356.

Submission:

Ambry Genetics
Classification: Pathogenic for Hereditary cancer-predisposing syndrome. Last evaluated: 2023-05-12. Review status: criteria provided, single submitter. Criteria: Ambry Variant Classification Scheme 2023. Collection method: clinical testing. Allele origin: germline.
Comment: The c.3472_3479delTGTTACGT pathogenic mutation, located in coding exon 6 of the MSH6 gene, results from a deletion of 8 nucleotides at nucleotide positions 3472 to 3479, causing a translational frameshift with a predicted alternate stop codon (p.C1158Pfs*3). This variant is considered to be rare based on population cohorts in the Genome Aggregation Database (gnomAD). This alteration is expected to result in loss of function by premature protein truncation or nonsense-mediated mRNA decay. As such, this alteration is interpreted as a disease-causing mutation.